The following is an entry in ClinVar:

ClinVar aggregate classification (germline): Likely benign. Review status: criteria provided, multiple submitters, no conflicts (2 of 4 stars). 2 submissions from 2 submitters: Likely benign (2). Last evaluated 2025-07-29.

Conditions:
Long QT syndrome (LQTS). Identifiers: MedGen C0023976, MeSH D008133, MONDO:0002442. Disease mechanism: loss of function. Inheritance: Various modes of inheritance.

Allele frequency attached by ClinVar (database versions not stated): gnomAD 0.00002 and 0.00001; TOPMed 0.00002; gnomAD exomes 0.00009 and 0.00013; 1000 Genomes Project 30x 0.00016; 1000 Genomes Project 0.00020; ExAC 0.00022.
gnomAD v4.1: 131 of 1,609,718 alleles (0.0081%); highest among the groups gnomAD compares: Non-Finnish European, 0.011%; no homozygotes.

Submissions (2):

Labcorp Genetics (formerly Invitae), Labcorp
Classification: Likely benign for Long QT syndrome. Last evaluated: 2025-07-29. Review status: criteria provided, single submitter. Criteria: Invitae Variant Classification Sherloc (09022015). Collection method: clinical testing. Allele origin: germline.

GeneDx
Classification: Likely benign. Last evaluated: 2017-12-19. Review status: criteria provided, single submitter. Criteria: GeneDx Variant Classification (06012015). Collection method: clinical testing. Allele origin: germline. Affected: yes.
Comment: This variant is considered likely benign or benign based on one or more of the following criteria: it is a conservative change, it occurs at a poorly conserved position in the protein, it is predicted to be benign by multiple in silico algorithms, and/or has population frequency not consistent with disease.

NM_001148.6(ANK2):c.3591+19C>A

Gene: ANK2 (ankyrin 2; plus strand). Cytogenetic location: 4q26.
Variant type: single nucleotide variant.
Coding change: c.3591+19C>A on transcript NM_001148.6 (MANE Select); 19 bases into the intron after coding-DNA position 3591, C replaced by A.
Molecular consequence: intron variant.
Genome position (GRCh38, 1-based): chr4:113,336,076, C>A. VCF-style: chr4-113336076-C-A. GRCh37 (hg19) VCF-style: chr4-114257232-C-A.
Other names: c.3576+19C>A (NM_001386186.2, NM_001386148.2); c.3378+19C>A (NM_001354269.3); c.3456+19C>A (NM_001386187.2); c.3450+19C>A (NM_001386147.1, NM_001354261.2); c.3435+19C>A (NM_001386160.1); c.3540+19C>A (NM_001354254.2); c.3561+19C>A (NM_001354239.2, NM_001354252.2); c.3462+19C>A (NM_001354272.2); and 31 more.
Identifiers: ClinVar variation 514115 (VCV000514115.6), dbSNP rs116394434, ClinGen allele CA3050870.